The following is an entry in ClinVar:

ClinVar aggregate classification (germline): Uncertain significance (1 of 4 stars; one submission).

Conditions:
Inborn genetic diseases. Identifiers: MedGen C0950123, MeSH D030342.

Submission:

Ambry Genetics
Classification: Uncertain significance for Inborn genetic diseases. Last evaluated: 2025-10-13. Review status: criteria provided, single submitter. Criteria: Ambry Variant Classification Scheme 2023. Collection method: clinical testing. Allele origin: germline.
Comment: The p.V271I variant (also known as c.811G>A), located in coding exon 5 of the MECOM gene, results from a G to A substitution at nucleotide position 811. The valine at codon 271 is replaced by isoleucine, an amino acid with highly similar properties. This amino acid position is conserved. In addition, this alteration is predicted to be tolerated by in silico analysis. Based on the available evidence, the clinical significance of this variant remains unclear.

NM_004991.4(MECOM):c.811G>A (p.Val271Ile)

Gene: MECOM (MDS1 and EVI1 complex locus; minus strand). Cytogenetic location: 3q26.2.
Variant type: single nucleotide variant.
Coding change: c.811G>A on transcript NM_004991.4 (MANE Select); coding-DNA position 811, G replaced by A.
Protein change: p.Val271Ile; replaces valine 271 with isoleucine.
Molecular consequence: missense variant.
Genome position (GRCh38, 1-based): chr3:169,127,863, C>T on the plus strand (G>A on the coding strand, the complement: MECOM is on the minus strand). VCF-style: chr3-169127863-C-T. GRCh37 (hg19) VCF-style: chr3-168845651-C-T.
Other names: c.439G>A, p.Val147Ile (NM_001105077.4); c.247G>A, p.Val83Ile (NM_001105078.4, NM_001163999.2, NM_001164000.2 and 9 more transcripts); c.811G>A, p.Val271Ile (NM_001366466.2, NM_001366473.2); short protein forms V147I, V83I, V271I.
Identifiers: ClinVar variation 4624643 (VCV004624643.1).